The following is an entry in ClinVar:

NM_004820.5(CYP7B1):c.1184T>A (p.Ile395Asn)

Gene: CYP7B1 (cytochrome P450 family 7 subfamily B member 1; minus strand). Cytogenetic location: 8q12.3.
Variant type: single nucleotide variant.
Coding change: c.1184T>A on transcript NM_004820.5 (MANE Select); coding-DNA position 1184, T replaced by A.
Protein change: p.Ile395Asn; replaces isoleucine 395 with asparagine.
Molecular consequence: missense variant.
Genome position (GRCh38, 1-based): chr8:64,604,731, A>T on the plus strand (T>A on the coding strand, the complement: CYP7B1 is on the minus strand). VCF-style: chr8-64604731-A-T. GRCh37 (hg19) VCF-style: chr8-65517288-A-T.
Other names: c.1184T>A, p.Ile395Asn (NM_001324112.2); short protein forms I395N.
Identifiers: ClinVar variation 4537813 (VCV004537813.2).

ClinVar aggregate classification (germline): Uncertain significance (1 of 4 stars; one submission).

gnomAD v4.1: 1 of 1,614,176 alleles (0.000062%); highest among the groups gnomAD compares: Middle Eastern, 0.016%; no homozygotes.

Submission:

GeneDx
Classification: Uncertain significance. Last evaluated: 2026-10-15. Review status: criteria provided, single submitter. Criteria: GeneDx Variant Classification Process June 2021. Collection method: clinical testing. Allele origin: germline.
Comment: Not observed at significant frequency in large population cohorts (gnomAD); In silico analysis supports that this missense variant has a deleterious effect on protein structure/function; Has not been previously published as pathogenic or benign to our knowledge